The following is an entry in ClinVar:

ClinVar aggregate classification (germline): Likely benign. Review status: criteria provided, multiple submitters, no conflicts (2 of 4 stars). 2 submissions from 2 submitters: Likely benign (2). Last evaluated 2023-07-01.

Conditions:
Peroxisome biogenesis disorder 5A (Zellweger) (PBD5A). Identifiers: Orphanet 912, MedGen C3553940, MONDO:0013932, OMIM 614866.

Allele frequency attached by ClinVar (database versions not stated): 1000 Genomes Project 0.00300; 1000 Genomes Project 30x 0.00328; TOPMed 0.00520; gnomAD 0.00589 and 0.00610; gnomAD exomes 0.00740.
gnomAD v4.1: 2,904 of 429,370 alleles (0.68%); highest among the groups gnomAD compares: Non-Finnish European, 0.95%; 13 homozygotes.

Submissions (2):

CeGaT Center for Human Genetics Tuebingen
Classification: Likely benign. Last evaluated: 2023-07-01. Review status: criteria provided, single submitter. Criteria: CeGaT Center For Human Genetics Tuebingen Variant Classification Criteria Version 2. Collection method: clinical testing. Allele origin: germline. Affected: yes. Observed: 3 variant alleles.
Comment: PEX2: BS2

Illumina Laboratory Services, Illumina
Classification: Likely benign for Peroxisome biogenesis disorder 5A (Zellweger). Last evaluated: 2018-01-13. Review status: criteria provided, single submitter. Criteria: ICSL Variant Classification Criteria 13 December 2019. Collection method: clinical testing. Allele origin: germline.
Comment: This variant was observed in the ICSL laboratory as part of a predisposition screen in an ostensibly healthy population. It had not been previously curated by ICSL or reported in the Human Gene Mutation Database (HGMD: prior to June 1st, 2018), and was therefore a candidate for classification through an automated scoring system. Utilizing variant allele frequency, disease prevalence and penetrance estimates, and inheritance mode, an automated score was calculated to assess if this variant is too frequent to cause the disease. Based on the score and internal cut-off values, a variant classified as likely benign is not then subjected to further curation. The score for this variant resulted in a classification of likely benign for this disease.

NM_000318.3(PEX2):c.*319A>G

Gene: PEX2 (peroxisomal biogenesis factor 2; minus strand). Cytogenetic location: 8q21.13.
Variant type: single nucleotide variant.
Coding change: c.*319A>G on transcript NM_000318.3 (MANE Select); 319 bases downstream of the stop codon, A replaced by G.
Molecular consequence: 3 prime UTR variant.
Genome position (GRCh38, 1-based): chr8:76,982,942, T>C on the plus strand (A>G on the coding strand, the complement: PEX2 is on the minus strand). VCF-style: chr8-76982942-T-C. GRCh37 (hg19) VCF-style: chr8-77895178-T-C.
Other names: c.*319A>G (NM_001079867.2, NM_001172086.2, NM_001172087.2).
Identifiers: ClinVar variation 909226 (VCV000909226.28), dbSNP rs78045204, ClinGen allele CA179988214.